The following is an entry in ClinVar:

NM_005431.2(XRCC2):c.119A>G (p.His40Arg)

Gene: XRCC2 (X-ray repair cross complementing 2; minus strand). Cytogenetic location: 7q36.1.
Variant type: single nucleotide variant.
Coding change: c.119A>G on transcript NM_005431.2 (MANE Select); coding-DNA position 119, A replaced by G.
Protein change: p.His40Arg; replaces histidine 40 with arginine.
Molecular consequence: missense variant.
Genome position (GRCh38, 1-based): chr7:152,660,703, T>C on the plus strand (A>G on the coding strand, the complement: XRCC2 is on the minus strand). VCF-style: chr7-152660703-T-C. GRCh37 (hg19) VCF-style: chr7-152357788-T-C.
Other names: short protein forms H40R.
Identifiers: ClinVar variation 419046 (VCV000419046.17), dbSNP rs777753452, ClinGen allele CA4582399.

ClinVar aggregate classification (germline): Uncertain significance. Review status: criteria provided, multiple submitters, no conflicts (2 of 4 stars). 5 submissions from 5 submitters: Uncertain significance (5). Last evaluated 2025-07-31.

Conditions:
Hereditary cancer-predisposing syndrome. Also called: Hereditary neoplastic syndrome; Tumor predisposition; Neoplastic Syndromes, Hereditary; Hereditary Cancer Syndrome. Identifiers: Orphanet 140162, MedGen C0027672, MeSH D009386, MONDO:0015356.
XRCC2-related disorder. Also called: XRCC2-related condition.

Allele frequency attached by ClinVar (database versions not stated): gnomAD 0.00001 and 0.00003; TOPMed 0.00002; ExAC 0.00008.
gnomAD v4.1: 62 of 1,609,044 alleles (0.0039%); highest among the groups gnomAD compares: South Asian, 0.037%; 1 homozygote.

Submissions (5):

Labcorp Genetics (formerly Invitae), Labcorp
Classification: Uncertain significance. Last evaluated: 2025-07-31. Review status: criteria provided, single submitter. Criteria: Invitae Variant Classification Sherloc (09022015). Collection method: clinical testing. Allele origin: germline.
Comment: This sequence change replaces histidine, which is basic and polar, with arginine, which is basic and polar, at codon 40 of the XRCC2 protein (p.His40Arg). This variant is present in population databases (rs777753452, gnomAD 0.04%). This missense change has been observed in individual(s) with breast cancer (PMID: 28135048). ClinVar contains an entry for this variant (Variation ID: 419046). An algorithm developed to predict the effect of missense changes on protein structure and function (PolyPhen-2) suggests that this variant is likely to be disruptive. Algorithms developed to predict the effect of sequence changes on RNA splicing suggest that this variant may disrupt the consensus splice site. In summary, the available evidence is currently insufficient to determine the role of this variant in disease. Therefore, it has been classified as a Variant of Uncertain Significance.

Ambry Genetics
Classification: Uncertain significance for Hereditary cancer-predisposing syndrome. Last evaluated: 2025-06-28. Review status: criteria provided, single submitter. Criteria: Ambry Variant Classification Scheme 2023. Collection method: clinical testing. Allele origin: germline.
Comment: The p.H40R variant (also known as c.119A>G), located in coding exon 2 of the XRCC2 gene, results from an A to G substitution at nucleotide position 119. The histidine at codon 40 is replaced by arginine, an amino acid with highly similar properties. This amino acid position is well conserved in available vertebrate species. In addition, this alteration is predicted to be tolerated by in silico analysis. Since supporting evidence is limited at this time, the clinical significance of this alteration remains unclear.

PreventionGenetics, part of Exact Sciences
Classification: Uncertain significance for XRCC2-related condition. Last evaluated: 2023-08-07. Review status: criteria provided, single submitter. Criteria: ACMG Guidelines, 2015. Collection method: clinical testing. Allele origin: germline.
Comment: The XRCC2 c.119A>G variant is predicted to result in the amino acid substitution p.His40Arg. This variant has been reported in an individual with breast cancer (Table S2, Liu et al. 2017. PubMed ID: 28135048). This variant is reported in 0.038% of alleles in individuals of South Asian descent in gnomAD. It is interpreted as uncertain significance. At this time, the clinical significance of this variant is uncertain due to the absence of conclusive functional and genetic evidence.

Revvity Omics, Revvity
Classification: Uncertain significance. Last evaluated: 2019-11-26. Review status: criteria provided, single submitter. Criteria: ACMG Guidelines, 2015. Collection method: clinical testing. Allele origin: germline.

GeneDx
Classification: Uncertain significance. Last evaluated: 2015-05-19. Review status: criteria provided, single submitter. Criteria: GeneDx Variant Classification (06012015). Collection method: clinical testing. Allele origin: germline. Affected: yes.
Comment: This variant is denoted XRCC2 c.119A>G at the cDNA level, p.His40Arg (H40R) at the protein level, and results in the change of a Histidine to an Arginine (CAT>CGT). This variant has not, to our knowledge, been published in the literature as pathogenic or benign. XRCC2 His40Arg was not observed in approximately 6,500 individuals of European and African American ancestry in the NHLBI Exome Sequencing Project, indicating it is not a common benign variant in these populations. Since Histidine and Arginine share similar properties, this is considered a conservative amino acid substitution. XRCC2 His40Arg occurs at a position that is not conserved and is located within the C-Terminal domain (Miller 2004). While protein based in silico analyses are inconsistent regarding the effect this variant may have on protein structure and function, splicing based in silico analyses predict that XRCC2 His40Arg might destroy the natural splice donor site possibly leading to abnormal splicing. Based on currently available information, it is unclear whether XRCC2 His40Arg is pathogenic or benign. We consider it to be a variant of uncertain significance.

Literature cited by the submitters: PubMed 28135048 (cited by Labcorp Genetics (formerly Invitae), Labcorp).